The following is an entry in ClinVar:

ClinVar aggregate classification (germline): Pathogenic (1 of 4 stars; one submission).

Allele frequency attached by ClinVar (database versions not stated): gnomAD exomes below 0.00001.

Submission:

Labcorp Genetics (formerly Invitae), Labcorp
Classification: Pathogenic. Last evaluated: 2023-09-08. Review status: criteria provided, single submitter. Criteria: Invitae Variant Classification Sherloc (09022015). Collection method: clinical testing. Allele origin: germline.
Comment: For these reasons, this variant has been classified as Pathogenic. ClinVar contains an entry for this variant (Variation ID: 1907179). This variant has not been reported in the literature in individuals affected with VPS13A-related conditions. This variant is not present in population databases (gnomAD no frequency). This sequence change creates a premature translational stop signal (p.Ile1257Leufs*3) in the VPS13A gene. It is expected to result in an absent or disrupted protein product. Loss-of-function variants in VPS13A are known to be pathogenic (PMID: 12404112, 21598378).

Literature cited by the submitters: PubMed 12404112; PubMed 21598378.

NM_033305.3(VPS13A):c.3769del (p.Ile1257fs)

Gene: VPS13A (vacuolar protein sorting 13 homolog A; plus strand). Cytogenetic location: 9q21.2.
Variant type: Deletion.
Coding change: c.3769del on transcript NM_033305.3 (MANE Select); coding-DNA position 3769, one base deleted (A; older notation c.3769delA).
Protein change: p.Ile1257fs; shifts the reading frame from isoleucine 1257.
Molecular consequence: frameshift variant.
Genome position (GRCh38, 1-based): chr9:77,295,803, A deleted. VCF-style (leftmost placement, unchanged base first): chr9-77295802-TA-T. GRCh37 (hg19) VCF-style: chr9-79910718-TA-T.
Other names: c.3652del, p.Ile1218fs (NM_001018037.2); c.3769del, p.Ile1257fs (NM_001018038.3, NM_015186.4); short protein forms I1218fs, I1257fs.
Identifiers: ClinVar variation 1907179 (VCV001907179.5), dbSNP rs2537897204, ClinGen allele CA2500021607.